The following is an entry in ClinVar:

NM_022772.4(EPS8L2):c.984+2T>G

Gene: EPS8L2 (EPS8 signaling adaptor L2; plus strand). Cytogenetic location: 11p15.5.
Variant type: single nucleotide variant.
Coding change: c.984+2T>G on transcript NM_022772.4 (MANE Select); the canonical splice donor site of the intron after coding-DNA position 984, T replaced by G.
Molecular consequence: splice donor variant.
Genome position (GRCh38, 1-based): chr11:721,993, T>G. VCF-style: chr11-721993-T-G. GRCh37 (hg19) VCF-style: chr11-721993-T-G.
Identifiers: ClinVar variation 3613309 (VCV003613309.2).

ClinVar aggregate classification (germline): Likely pathogenic (1 of 4 stars; one submission).

Submission:

Labcorp Genetics (formerly Invitae), Labcorp
Classification: Likely pathogenic. Last evaluated: 2024-02-17. Review status: criteria provided, single submitter. Criteria: Invitae Variant Classification Sherloc (09022015). Collection method: clinical testing. Allele origin: germline.
Comment: This sequence change affects a donor splice site in intron 11 of the EPS8L2 gene. It is expected to disrupt RNA splicing. Variants that disrupt the donor or acceptor splice site typically lead to a loss of protein function (PMID: 16199547), and loss-of-function variants in EPS8L2 are known to be pathogenic (PMID: 26282398, 28281779). This variant is not present in population databases (gnomAD no frequency). This variant has not been reported in the literature in individuals affected with EPS8L2-related conditions. Algorithms developed to predict the effect of sequence changes on RNA splicing suggest that this variant may disrupt the consensus splice site. In summary, the currently available evidence indicates that the variant is pathogenic, but additional data are needed to prove that conclusively. Therefore, this variant has been classified as Likely Pathogenic.

Literature cited by the submitters: PubMed 16199547; PubMed 26282398; PubMed 28281779.